The following is an entry in ClinVar:

ClinVar aggregate classification (germline): Uncertain significance (1 of 4 stars; one submission).

Conditions:
Nemaline myopathy 2 (NEM2). Also called: Nemaline myopathy 2, autosomal recessive. Identifiers: MedGen C1850569, MONDO:0009725, OMIM 256030.

Allele frequency attached by ClinVar (database versions not stated): gnomAD 0.00001; TOPMed 0.00001; 1000 Genomes Project 30x 0.00016; 1000 Genomes Project 0.00020.
gnomAD v4.1: 9 of 1,612,646 alleles (0.00056%); highest among the groups gnomAD compares: Admixed American, 0.013%; no homozygotes.

Submission:

Labcorp Genetics (formerly Invitae), Labcorp
Classification: Uncertain significance for Nemaline myopathy 2. Last evaluated: 2022-06-07. Review status: criteria provided, single submitter. Criteria: Invitae Variant Classification Sherloc (09022015). Collection method: clinical testing. Allele origin: germline.
Comment: This sequence change replaces aspartic acid, which is acidic and polar, with asparagine, which is neutral and polar, at codon 2787 of the NEB protein (p.Asp2787Asn). This variant is present in population databases (rs193218477, gnomAD 0.01%). This variant has not been reported in the literature in individuals affected with NEB-related conditions. Algorithms developed to predict the effect of missense changes on protein structure and function are either unavailable or do not agree on the potential impact of this missense change (SIFT: "Deleterious"; PolyPhen-2: "Not Available"; Align-GVGD: "Class C0"). In summary, the available evidence is currently insufficient to determine the role of this variant in disease. Therefore, it has been classified as a Variant of Uncertain Significance.

NM_001164508.2(NEB):c.8359G>A (p.Asp2787Asn)

Gene: NEB (nebulin; minus strand). Cytogenetic location: 2q23.3.
Variant type: single nucleotide variant.
Coding change: c.8359G>A on transcript NM_001164508.2 (MANE Select); coding-DNA position 8359, G replaced by A.
Protein change: p.Asp2787Asn; replaces aspartic acid 2787 with asparagine.
Molecular consequence: missense variant.
Genome position (GRCh38, 1-based): chr2:151,642,588, C>T on the plus strand (G>A on the coding strand, the complement: NEB is on the minus strand). VCF-style: chr2-151642588-C-T. GRCh37 (hg19) VCF-style: chr2-152499102-C-T.
Other names: c.8359G>A, p.Asp2787Asn (NM_001164507.2, NM_001271208.2, NM_004543.5); short protein forms D2787N.
Identifiers: ClinVar variation 2037096 (VCV002037096.1), dbSNP rs193218477, ClinGen allele CA1909621.